The following is an entry in ClinVar:

NM_000026.4(ADSL):c.655-42_655-8del

Gene: ADSL (adenylosuccinate lyase; plus strand). Cytogenetic location: 22q13.1.
Variant type: Deletion.
Coding change: c.655-42_655-8del on transcript NM_000026.4 (MANE Select); 42 bases into the intron before coding-DNA position 655 through 8 bases into the intron before coding-DNA position 655, 35 bases deleted.
Molecular consequence: intron variant.
Genome position (GRCh38, 1-based): chr22:40,359,218-40,359,252, 35 bases deleted; deleting any 35 consecutive bases within chr22:40,359,216-40,359,252 gives the same sequence; the c. name uses the placement nearest the transcript's 3' end. GRCh37 (hg19): chr22:40,755,222-40,755,256.
Other names: c.655-42_655-8del (NM_001363840.3, NM_001123378.3); c.463-42_463-8del (NM_001317923.2).
Identifiers: ClinVar variation 1346004 (VCV001346004.6), dbSNP rs2146654480, ClinGen allele CA2573158430.
Genomic context (GRCh38, chr22:40,359,215, plus strand): 5'-GGAAGTTGTGGGGGTTAGGGAGCGAGACCTGGGTAGGATGACAGGTTGAGGCATTCTCAC[ACTGGACACATGGATTATTATAAGGATGTGTCTTTT>A]CTTTCCAAGGTAGAGCAGCTTGACAAGATGGTGACAGAAAAGGCAGGATTTAAGAGGTAG-3'

ClinVar aggregate classification (germline): Uncertain significance (1 of 4 stars; one submission).

Conditions:
Adenylosuccinate lyase deficiency (ADSLD). Also called: ADSL DEFICIENCY. Identifiers: Orphanet 46, MedGen C0268126, MONDO:0007068, OMIM 103050.

Submission:

Labcorp Genetics (formerly Invitae), Labcorp
Classification: Uncertain significance for Adenylosuccinate lyase deficiency. Last evaluated: 2021-10-20. Review status: criteria provided, single submitter. Criteria: Invitae Variant Classification Sherloc (09022015). Collection method: clinical testing. Allele origin: germline.
Comment: In summary, the available evidence is currently insufficient to determine the role of this variant in disease. Therefore, it has been classified as a Variant of Uncertain Significance. Algorithms developed to predict the effect of sequence changes on RNA splicing suggest that this variant may disrupt the consensus splice site. This variant has not been reported in the literature in individuals affected with ADSL-related conditions. This variant is not present in population databases (gnomAD no frequency). This sequence change falls in intron 5 of the ADSL gene. It does not directly change the encoded amino acid sequence of the ADSL protein.